The following is an entry in ClinVar:

NM_001379200.1(TBX1):c.262G>A (p.Ala88Thr)

Gene: TBX1 (T-box transcription factor 1; plus strand). Cytogenetic location: 22q11.21.
Variant type: single nucleotide variant.
Coding change: c.262G>A on transcript NM_001379200.1 (MANE Select); coding-DNA position 262, G replaced by A.
Protein change: p.Ala88Thr; replaces alanine 88 with threonine.
Molecular consequence: missense variant.
Genome position (GRCh38, 1-based): chr22:19,761,105, G>A. VCF-style: chr22-19761105-G-A. GRCh37 (hg19) VCF-style: chr22-19748628-G-A.
Other names: c.235G>A, p.Ala79Thr (NM_005992.1, NM_080646.2, NM_080647.1); short protein forms A79T, A88T.
Identifiers: ClinVar variation 1790134 (VCV001790134.9), dbSNP rs1230853327, ClinGen allele CA410681484.

ClinVar aggregate classification (germline): Uncertain significance. Review status: criteria provided, multiple submitters, no conflicts (2 of 4 stars). 3 submissions from 3 submitters: Uncertain significance (3). Last evaluated 2026-06-11.

Conditions:
Cardiovascular phenotype. Identifiers: MedGen CN230736.
DiGeorge syndrome. Also called: THIRD AND FOURTH PHARYNGEAL POUCH SYNDROME; Catch22. Identifiers: Orphanet 567, MedGen C0012236, MONDO:0008564, OMIM 188400.
TBX1-related disorder. Also called: TBX1-related condition; TBX1-Related Disorders.

Allele frequency attached by ClinVar (database versions not stated): TOPMed 0.00001.

Submissions (3):

PreventionGenetics, part of Exact Sciences
Classification: Uncertain significance for TBX1-related condition. Last evaluated: 2026-06-11. Review status: criteria provided, single submitter. Criteria: ACMG Guidelines, 2015. Collection method: clinical testing. Allele origin: germline.
Comment: The TBX1 c.235G>A variant is predicted to result in the amino acid substitution p.Ala79Thr. To our knowledge, this variant has not been reported in the literature or in the large population database gnomAD, indicating that this variant is rare. At this time, the clinical significance of this variant is uncertain due to the absence of conclusive functional and genetic evidence.

Labcorp Genetics (formerly Invitae), Labcorp
Classification: Uncertain significance for DiGeorge syndrome. Last evaluated: 2025-08-22. Review status: criteria provided, single submitter. Criteria: Invitae Variant Classification Sherloc (09022015). Collection method: clinical testing. Allele origin: germline.
Comment: This sequence change replaces alanine, which is neutral and non-polar, with threonine, which is neutral and polar, at codon 79 of the TBX1 protein (p.Ala79Thr). This variant is not present in population databases (gnomAD no frequency). This variant has not been reported in the literature in individuals affected with TBX1-related conditions. ClinVar contains an entry for this variant (Variation ID: 1790134). Invitae Evidence Modeling of protein sequence and biophysical properties (such as structural, functional, and spatial information, amino acid conservation, physicochemical variation, residue mobility, and thermodynamic stability) indicates that this missense variant is not expected to disrupt TBX1 protein function with a negative predictive value of 80%. In summary, the available evidence is currently insufficient to determine the role of this variant in disease. Therefore, it has been classified as a Variant of Uncertain Significance.

Ambry Genetics
Classification: Uncertain significance for Cardiovascular phenotype. Last evaluated: 2024-10-21. Review status: criteria provided, single submitter. Criteria: Ambry Variant Classification Scheme 2023. Collection method: clinical testing. Allele origin: germline.
Comment: The p.A79T variant (also known as c.235G>A), located in coding exon 2 of the TBX1 gene, results from a G to A substitution at nucleotide position 235. The alanine at codon 79 is replaced by threonine, an amino acid with similar properties. This amino acid position is conserved. In addition, this alteration is predicted to be tolerated by in silico analysis. Since supporting evidence is limited at this time, the clinical significance of this alteration remains unclear.